The following is an entry in ClinVar:

NM_003718.5(CDK13):c.2124C>T (p.Ile708=)

Gene: CDK13 (cyclin dependent kinase 13; plus strand). Cytogenetic location: 7p14.1.
Variant type: single nucleotide variant.
Coding change: c.2124C>T on transcript NM_003718.5 (MANE Select); coding-DNA position 2124, C replaced by T.
Protein change: p.Ile708=; no amino-acid change (isoleucine 708 retained).
Molecular consequence: synonymous variant.
Genome position (GRCh38, 1-based): chr7:39,999,442, C>T. VCF-style: chr7-39999442-C-T. GRCh37 (hg19) VCF-style: chr7-40039041-C-T.
Other names: c.2124C>T, p.Ile708= (NM_031267.4).
Identifiers: ClinVar variation 708669 (VCV000708669.40), dbSNP rs142726395, ClinGen allele CA4228641.

ClinVar aggregate classification (germline): Benign. Review status: criteria provided, multiple submitters, no conflicts (2 of 4 stars). 3 submissions from 3 submitters: Benign (3). Last evaluated 2026-09-01.

Allele frequency attached by ClinVar (database versions not stated): 1000 Genomes Project 30x 0.00078; 1000 Genomes Project 0.00100; ExAC 0.00306; gnomAD exomes 0.00324 and 0.00464; ESP Exome Variant Server 0.00331; gnomAD 0.00342 and 0.00360; TOPMed 0.00343.
gnomAD v4.1: 7,311 of 1,612,650 alleles (0.45%); highest among the groups gnomAD compares: Non-Finnish European, 0.53%; 21 homozygotes.

Submissions (3):

CeGaT Center for Human Genetics Tuebingen
Classification: Benign. Last evaluated: 2026-09-01. Review status: criteria provided, single submitter. Criteria: CeGaT Center For Human Genetics Tuebingen Variant Classification Criteria Version 2. Collection method: clinical testing. Allele origin: germline. Affected: yes. Observed: 57 variant alleles.
Comment: CDK13: BP4, BP7, BS1, BS2

Labcorp Genetics (formerly Invitae), Labcorp
Classification: Benign. Last evaluated: 2026-02-03. Review status: criteria provided, single submitter. Criteria: Invitae Variant Classification Sherloc (09022015). Collection method: clinical testing. Allele origin: germline.

Blueprint Genetics
Classification: Benign. Last evaluated: 2024-11-22. Review status: criteria provided, single submitter. Criteria: ACMG Guidelines, 2015. Collection method: clinical testing. Allele origin: germline.